The following is an entry in ClinVar:

ClinVar aggregate classification (germline): Uncertain significance (1 of 4 stars; one submission).

Conditions:
LAMA2-related muscular dystrophy (LAMA2-RD). Also called: Laminin alpha 2-related dystrophy. Identifiers: MedGen C5679788, MONDO:0100228.

Allele frequency attached by ClinVar (database versions not stated): TOPMed below 0.00001.

Submission:

Labcorp Genetics (formerly Invitae), Labcorp
Classification: Uncertain significance for LAMA2-related muscular dystrophy. Last evaluated: 2022-10-25. Review status: criteria provided, single submitter. Criteria: Invitae Variant Classification Sherloc (09022015). Collection method: clinical testing. Allele origin: germline.
Comment: This sequence change replaces alanine, which is neutral and non-polar, with glycine, which is neutral and non-polar, at codon 1696 of the LAMA2 protein (p.Ala1696Gly). This variant is not present in population databases (gnomAD no frequency). This variant has not been reported in the literature in individuals affected with LAMA2-related conditions. ClinVar contains an entry for this variant (Variation ID: 1363381). Advanced modeling of protein sequence and biophysical properties (such as structural, functional, and spatial information, amino acid conservation, physicochemical variation, residue mobility, and thermodynamic stability) performed at Invitae indicates that this missense variant is not expected to disrupt LAMA2 protein function. In summary, the available evidence is currently insufficient to determine the role of this variant in disease. Therefore, it has been classified as a Variant of Uncertain Significance.

NM_000426.4(LAMA2):c.5087C>G (p.Ala1696Gly)

Gene: LAMA2 (laminin subunit alpha 2; plus strand). Cytogenetic location: 6q22.33.
Variant type: single nucleotide variant.
Coding change: c.5087C>G on transcript NM_000426.4 (MANE Select); coding-DNA position 5087, C replaced by G.
Protein change: p.Ala1696Gly; replaces alanine 1696 with glycine.
Molecular consequence: missense variant.
Genome position (GRCh38, 1-based): chr6:129,391,506, C>G. VCF-style: chr6-129391506-C-G. GRCh37 (hg19) VCF-style: chr6-129712651-C-G.
Other names: c.5087C>G, p.Ala1696Gly (NM_001079823.2); short protein forms A1696G.
Identifiers: ClinVar variation 1363381 (VCV001363381.5), dbSNP rs1305858863, ClinGen allele CA365613927.